The following is an entry in ClinVar:

ClinVar aggregate classification (germline): Uncertain significance (1 of 4 stars; one submission).

gnomAD v4.1: 2 of 1,614,106 alleles (0.00012%); highest among the groups gnomAD compares: African/African-American, 0.0013%; no homozygotes.

Submission:

GeneDx
Classification: Uncertain significance. Last evaluated: 2026-03-30. Review status: criteria provided, single submitter. Criteria: GeneDx Variant Classification Process June 2021. Collection method: clinical testing. Allele origin: germline.
Comment: Not observed at significant frequency in large population cohorts (gnomAD); In silico analysis suggests that this missense variant does not alter protein structure/function; Has not been previously published as pathogenic or benign to our knowledge

NM_001020658.2(PUM1):c.2188A>G (p.Ser730Gly)

Gene: PUM1 (pumilio RNA binding family member 1; minus strand). Cytogenetic location: 1p35.2.
Variant type: single nucleotide variant.
Coding change: c.2188A>G on transcript NM_001020658.2 (MANE Select); coding-DNA position 2188, A replaced by G.
Protein change: p.Ser730Gly; replaces serine 730 with glycine.
Molecular consequence: missense variant.
Genome position (GRCh38, 1-based): chr1:30,964,809, T>C on the plus strand (A>G on the coding strand, the complement: PUM1 is on the minus strand). VCF-style: chr1-30964809-T-C. GRCh37 (hg19) VCF-style: chr1-31437656-T-C.
Other names: c.2188A>G, p.Ser730Gly (NM_014676.3); short protein forms S730G.
Identifiers: ClinVar variation 5017821 (VCV005017821.1).